The following is an entry in ClinVar:

NM_000156.6(GAMT):c.224C>A (p.Ala75Glu)

Gene: GAMT (guanidinoacetate N-methyltransferase; minus strand). Cytogenetic location: 19p13.3.
Variant type: single nucleotide variant.
Coding change: c.224C>A on transcript NM_000156.6 (MANE Select); coding-DNA position 224, C replaced by A.
Protein change: p.Ala75Glu; replaces alanine 75 with glutamic acid.
Molecular consequence: missense variant.
Genome position (GRCh38, 1-based): chr19:1,399,896, G>T on the plus strand (C>A on the coding strand, the complement: GAMT is on the minus strand). VCF-style: chr19-1399896-G-T. GRCh37 (hg19) VCF-style: chr19-1399895-G-T.
Other names: c.224C>A, p.Ala75Glu (NM_138924.3); short protein forms A75E.
Identifiers: ClinVar variation 3384380 (VCV003384380.2).

ClinVar aggregate classification (germline): Conflicting classifications of pathogenicity. Review status: criteria provided, conflicting classifications (1 of 4 stars). 2 submissions from 2 submitters: Likely pathogenic (1); Uncertain significance (1). Last evaluated 2025-06-09.

Conditions:
Cerebral creatine deficiency syndrome. Also called: Creatine deficiency syndromes. Identifiers: Orphanet 79172, MedGen C5244016, MONDO:0000456.

Submissions (2):

Labcorp Genetics (formerly Invitae), Labcorp
Classification: Uncertain significance for Cerebral creatine deficiency syndrome. Last evaluated: 2025-06-09. Review status: criteria provided, single submitter. Criteria: Invitae Variant Classification Sherloc (09022015). Collection method: clinical testing. Allele origin: germline.
Comment: This sequence change replaces alanine, which is neutral and non-polar, with glutamic acid, which is acidic and polar, at codon 75 of the GAMT protein (p.Ala75Glu). This variant is not present in population databases (gnomAD no frequency). This missense change has been observed in individual(s) with GAMT deficiency (PMID: 34974949). ClinVar contains an entry for this variant (Variation ID: 3384380). Invitae Evidence Modeling of protein sequence and biophysical properties (such as structural, functional, and spatial information, amino acid conservation, physicochemical variation, residue mobility, and thermodynamic stability) indicates that this missense variant is expected to disrupt GAMT protein function with a positive predictive value of 95%. This variant disrupts the p.Ala75 amino acid residue in GAMT. Other variant(s) that disrupt this residue have been observed in individuals with GAMT-related conditions (PMID: 24415674), which suggests that this may be a clinically significant amino acid residue. In summary, the available evidence is currently insufficient to determine the role of this variant in disease. Therefore, it has been classified as a Variant of Uncertain Significance.

GeneDx
Classification: Likely pathogenic. Last evaluated: 2024-06-03. Review status: criteria provided, single submitter. Criteria: GeneDx Variant Classification Process June 2021. Collection method: clinical testing. Allele origin: germline. Affected: yes.
Comment: A different missense change at this residue (A75V) has been reported pathogenic in the published literature and at GeneDx in association with GAMT-related disorder; In silico analysis supports that this missense variant has a deleterious effect on protein structure/function; Not observed at significant frequency in large population cohorts (gnomAD); This variant is associated with the following publications: (PMID: 34974949, 24415674)

Literature cited by the submitters: PubMed 34974949 (cited by Labcorp Genetics (formerly Invitae), Labcorp); PubMed 24415674 (cited by Labcorp Genetics (formerly Invitae), Labcorp).